The following is an entry in ClinVar:

ClinVar aggregate classification (germline): Benign/Likely benign. Review status: criteria provided, multiple submitters, no conflicts (2 of 4 stars). 2 submissions from 2 submitters: Benign (1); Likely benign (1). Last evaluated 2024-11-04.

Conditions:
Multiple endocrine neoplasia, type 1 (MEN1). Also called: MEA I; WERMER SYNDROME; Endocrine adenomatosis multiple; MEN 1; MEN I. Identifiers: Orphanet 652, MedGen C0025267, MeSH D018761, MONDO:0007540, OMIM 131100.

Allele frequency attached by ClinVar (database versions not stated): gnomAD exomes below 0.00001 and 0.00001; ExAC 0.00002.
gnomAD v4.1: 2 of 1,614,222 alleles (0.00012%); highest among the groups gnomAD compares: Non-Finnish European, 0.000085%; no homozygotes.

Submissions (2):

Myriad Genetics, Inc.
Classification: Benign for Multiple endocrine neoplasia, type 1. Last evaluated: 2024-11-04. Review status: criteria provided, single submitter. Criteria: Myriad Autosomal Dominant, Autosomal Recessive and X-Linked Classification Criteria (2023). Collection method: clinical testing. Allele origin: unknown.
Comment: This variant is considered benign. This variant is a silent/synonymous amino acid change and it is not expected to impact splicing.

Labcorp Genetics (formerly Invitae), Labcorp
Classification: Likely benign for Multiple endocrine neoplasia, type 1. Last evaluated: 2024-06-25. Review status: criteria provided, single submitter. Criteria: Invitae Variant Classification Sherloc (09022015). Collection method: clinical testing. Allele origin: germline.

NM_001370259.2(MEN1):c.984C>T (p.His328=)

Gene: MEN1 (menin 1; minus strand). Cytogenetic location: 11q13.1.
Variant type: single nucleotide variant.
Coding change: c.984C>T on transcript NM_001370259.2 (MANE Select); coding-DNA position 984, C replaced by T.
Protein change: p.His328=; no amino-acid change (histidine 328 retained).
Molecular consequence: synonymous variant.
Genome position (GRCh38, 1-based): chr11:64,806,297, G>A on the plus strand (C>T on the coding strand, the complement: MEN1 is on the minus strand). VCF-style: chr11-64806297-G-A. GRCh37 (hg19) VCF-style: chr11-64573769-G-A.
Other names: c.999C>T, p.His333= (NM_000244.4, NM_130800.3, NM_130801.3 and 3 more transcripts); c.984C>T, p.His328= (NM_001370251.2, NM_001370260.2, NM_001370261.2 and 1 more transcripts); c.879C>T, p.His293= (NM_001370262.2, NM_001370263.2).
Identifiers: ClinVar variation 760444 (VCV000760444.11), dbSNP rs757323408, ClinGen allele CA061896.
Genomic context (GRCh38, chr11:64,806,297, plus strand): 5'-GATGACAGTGGCCGTGTCCGCCCAGGCCTGCAGGGCTTCCCGCACATTGCGGTTGCGACA[G>A]TGGTAGCCAGCCAGGTACATGTAGGGGTAGATGTGTTCATCCCGATAGTAGGTCTTGGCT-3'
Protein context (NP_001357188.2, residues 318-338): IYPYMYLAGY[His328=]CRNRNVREAL